The following is an entry in ClinVar:

NM_016239.4(MYO15A):c.5526C>T (p.Ile1842=)

Gene: MYO15A (myosin XVA; plus strand). Cytogenetic location: 17p11.2.
Variant type: single nucleotide variant.
Coding change: c.5526C>T on transcript NM_016239.4 (MANE Select); coding-DNA position 5526, C replaced by T.
Protein change: p.Ile1842=; no amino-acid change (isoleucine 1842 retained).
Molecular consequence: synonymous variant.
Genome position (GRCh38, 1-based): chr17:18,141,138, C>T. VCF-style: chr17-18141138-C-T. GRCh37 (hg19) VCF-style: chr17-18044452-C-T.
Identifiers: ClinVar variation 227644 (VCV000227644.19), dbSNP rs370047914, ClinGen allele CA8424303.

ClinVar aggregate classification (germline): Conflicting classifications of pathogenicity. Review status: criteria provided, conflicting classifications (1 of 4 stars). 5 submissions from 5 submitters: Uncertain significance (2); Likely benign (3). Last evaluated 2025-12-29.

Conditions:
Autosomal recessive nonsyndromic hearing loss 3. Also called: NEUROSENSORY NONSYNDROMIC RECESSIVE DEAFNESS 3. Identifiers: Orphanet 90636, MedGen C1838263, MONDO:0010860, OMIM 600316.

Allele frequency attached by ClinVar (database versions not stated): gnomAD exomes 0.00003 and 0.00012; gnomAD 0.00004 and 0.00007; TOPMed 0.00008; ExAC 0.00013; 1000 Genomes Project 30x 0.00078; 1000 Genomes Project 0.00080.
gnomAD v4.1: 84 of 1,613,662 alleles (0.0052%); highest among the groups gnomAD compares: East Asian, 0.058%; no homozygotes.

Submissions (5):

Labcorp Genetics (formerly Invitae), Labcorp
Classification: Likely benign. Last evaluated: 2025-12-29. Review status: criteria provided, single submitter. Criteria: Invitae Variant Classification Sherloc (09022015). Collection method: clinical testing. Allele origin: germline.

GeneDx
Classification: Uncertain significance. Last evaluated: 2025-09-17. Review status: criteria provided, single submitter. Criteria: GeneDx Variant Classification Process June 2021. Collection method: clinical testing. Allele origin: germline. Affected: yes.
Comment: Has not been previously published as pathogenic or benign to our knowledge; In silico analysis is inconclusive as to whether the variant alters gene splicing. In the absence of RNA/functional studies, the actual effect of this sequence change is unknown.

Blueprint Genetics
Classification: Likely benign. Last evaluated: 2024-05-03. Review status: criteria provided, single submitter. Criteria: ACMG Guidelines, 2015. Collection method: clinical testing. Allele origin: germline.

Illumina Laboratory Services, Illumina
Classification: Uncertain significance for Autosomal recessive nonsyndromic hearing loss 3. Last evaluated: 2018-01-13. Review status: criteria provided, single submitter. Criteria: ICSL Variant Classification Criteria 13 December 2019. Collection method: clinical testing. Allele origin: germline.

Laboratory for Molecular Medicine, Mass General Brigham Personalized Medicine
Classification: Likely benign. Last evaluated: 2015-02-24. Review status: criteria provided, single submitter. Criteria: LMM Criteria. Collection method: clinical testing. Allele origin: germline. Observed: 1 variant allele.
Comment: p.Ile1842Ile in exon 22 of MYO15A: This variant is not expected to have clinical significance because it does not alter an amino acid residue and is not located within the splice consensus sequence. It has been identified in 0.1% (9/8566) o f East Asian chromosomes by the Exome Aggregation Consortium (ExAC.; dbSNP rs370047914).